The following is an entry in ClinVar:

NM_004646.4(NPHS1):c.87C>T (p.Ser29=)

Genes: KIRREL2 (kirre like nephrin family adhesion molecule 2; plus strand), NPHS1 (NPHS1 adhesion molecule, nephrin; minus strand). Cytogenetic location: 19q13.12.
Variant type: single nucleotide variant.
Coding change: c.87C>T on transcript NM_004646.4 (MANE Select); coding-DNA position 87, C replaced by T.
Protein change: p.Ser29=; no amino-acid change (serine 29 retained).
Molecular consequence: synonymous variant.
Genome position (GRCh38, 1-based): chr19:35,851,644, G>A on the plus strand (C>T on the coding strand, the complement: NPHS1 is on the minus strand). VCF-style: chr19-35851644-G-A. GRCh37 (hg19) VCF-style: chr19-36342546-G-A.
Other names: c.87C>T (NM_004646.3).
Identifiers: ClinVar variation 1158836 (VCV001158836.11), dbSNP rs544235158, ClinGen allele CA9390916.

ClinVar aggregate classification (germline): Likely benign. Review status: criteria provided, multiple submitters, no conflicts (2 of 4 stars). 3 submissions from 3 submitters: Likely benign (3). Last evaluated 2026-01-18.

Conditions:
Finnish congenital nephrotic syndrome (NPHS1). Also called: NEPHROTIC SYNDROME, TYPE 1. Identifiers: Orphanet 839, MedGen C0403399, MONDO:0009732, OMIM 256300.
NPHS1-related disorder. Also called: NPHS1-related condition.

Allele frequency attached by ClinVar (database versions not stated): gnomAD 0.00003 and 0.00005; TOPMed 0.00004; ExAC 0.00013; gnomAD exomes 0.00013; 1000 Genomes Project 30x 0.00016; 1000 Genomes Project 0.00020.
gnomAD v4.1: 82 of 1,613,770 alleles (0.0051%); highest among the groups gnomAD compares: South Asian, 0.051%; 1 homozygote.

Submissions (3):

Labcorp Genetics (formerly Invitae), Labcorp
Classification: Likely benign. Last evaluated: 2026-01-18. Review status: criteria provided, single submitter. Criteria: Invitae Variant Classification Sherloc (09022015). Collection method: clinical testing. Allele origin: germline.

PreventionGenetics, part of Exact Sciences
Classification: Likely benign for NPHS1-related condition. Last evaluated: 2025-01-24. Review status: criteria provided, single submitter. Criteria: ACMG Guidelines, 2015. Collection method: clinical testing. Allele origin: germline.
Comment: This variant is classified as likely benign based on ACMG/AMP sequence variant interpretation guidelines (Richards et al. 2015 PMID: 25741868, with internal and published modifications).

Fulgent Genetics
Classification: Likely benign for Finnish congenital nephrotic syndrome. Last evaluated: 2021-12-15. Review status: criteria provided, single submitter. Criteria: ACMG Guidelines, 2015. Collection method: clinical testing. Allele origin: unknown.